The following is an entry in ClinVar:

ClinVar aggregate classification (germline): Uncertain significance (1 of 4 stars; one submission).

Conditions:
Capillary malformation-arteriovenous malformation syndrome. Also called: Capillary malformation-arteriovenous malformation. Identifiers: Orphanet 137667, MedGen C1842180, MONDO:0012016.

Submission:

Labcorp Genetics (formerly Invitae), Labcorp
Classification: Uncertain significance for Capillary malformation-arteriovenous malformation syndrome. Last evaluated: 2023-10-04. Review status: criteria provided, single submitter. Criteria: Invitae Variant Classification Sherloc (09022015). Collection method: clinical testing. Allele origin: germline.
Comment: This sequence change replaces isoleucine, which is neutral and non-polar, with asparagine, which is neutral and polar, at codon 554 of the RASA1 protein (p.Ile554Asn). This variant is not present in population databases (gnomAD no frequency). This variant has not been reported in the literature in individuals affected with RASA1-related conditions. An algorithm developed to predict the effect of missense changes on protein structure and function (PolyPhen-2) suggests that this variant is likely to be disruptive. In summary, the available evidence is currently insufficient to determine the role of this variant in disease. Therefore, it has been classified as a Variant of Uncertain Significance.

NM_002890.3(RASA1):c.1661T>A (p.Ile554Asn)

Genes: CCNH (cyclin H; minus strand), RASA1 (RAS p21 protein activator 1; plus strand). Cytogenetic location: 5q14.3.
Variant type: single nucleotide variant.
Coding change: c.1661T>A on transcript NM_002890.3 (MANE Select); coding-DNA position 1661, T replaced by A.
Protein change: p.Ile554Asn; replaces isoleucine 554 with asparagine.
Molecular consequence: missense variant. On other transcripts: intron variant (1).
Genome position (GRCh38, 1-based): chr5:87,369,863, T>A. VCF-style: chr5-87369863-T-A. GRCh37 (hg19) VCF-style: chr5-86665680-T-A.
Other names: c.1130T>A, p.Ile377Asn (NM_022650.3); c.933+25181A>T (NM_001364075.2); short protein forms I377N, I554N.
Identifiers: ClinVar variation 2784286 (VCV002784286.3), dbSNP rs2531324340, ClinGen allele CA360371942.